The following is an entry in ClinVar:

ClinVar aggregate classification (germline): Conflicting classifications of pathogenicity. Review status: criteria provided, conflicting classifications (1 of 4 stars). 5 submissions from 4 submitters: Uncertain significance (2); Likely benign (3). Last evaluated 2025-12-26.

Conditions:
Transitory neonatal diabetes mellitus. Also called: Transient neonatal diabetes mellitus. Identifiers: MedGen C0342273, MONDO:0020525, HP:0008255.
Maturity-onset diabetes of the young (MODY). Also called: Maturity onset diabetes mellitus in young. Identifiers: Orphanet 552, MedGen C0342276, MONDO:0018911, HP:0004904.

Allele frequency attached by ClinVar (database versions not stated): gnomAD 0.00004 and 0.00003; TOPMed 0.00007; gnomAD exomes 0.00008 and 0.00002; ExAC 0.00004.
gnomAD v4.1: 35 of 1,608,648 alleles (0.0022%); highest among the groups gnomAD compares: Admixed American, 0.049%; no homozygotes.

Submissions (5):

Labcorp Genetics (formerly Invitae), Labcorp
Classification: Likely benign. Last evaluated: 2025-12-26. Review status: criteria provided, single submitter. Criteria: Invitae Variant Classification Sherloc (09022015). Collection method: clinical testing. Allele origin: germline.

Women's Health and Genetics/Laboratory Corporation of America, LabCorp
Classification: Likely benign. Last evaluated: 2024-12-16. Review status: criteria provided, single submitter. Criteria: LabCorp Variant Classification Summary - May 2015. Collection method: clinical testing. Allele origin: germline.
Comment: Variant summary: ABCC8 c.2117-12C>A alters a non-conserved nucleotide located at a position not widely known to affect splicing. Consensus agreement among computation tools predict no significant impact on normal splicing (TrAP). However, these predictions have yet to be confirmed by functional studies. The variant allele was found at a frequency of 8.1e-05 in 246140 control chromosomes. This frequency is not significantly higher than estimated for a pathogenic variant in ABCC8 causing Congenital Hyperinsulinism (8.1e-05 vs 0.0034), allowing no conclusion about variant significance. To our knowledge, no occurrence of c.2117-12C>A in individuals affected with Congenital Hyperinsulinism and no experimental evidence demonstrating its impact on protein function have been reported. ClinVar contains an entry for this variant (Variation ID: 35607). Based on the evidence outlined above, the variant was classified as likely benign.

Clinical Genomics, Uppaluri K&H Personalized Medicine Clinic
Classification: Uncertain significance for Maturity-onset diabetes of the young. Review status: criteria provided, single submitter. Criteria: K & H Uppaluri Personalized Medicine Clinic Variant Classification & Assertion Criteria_Updated V.1. Collection method: research. Allele origin: unknown. Inheritance: Somatic mutation.
Comment: Mutations in ABCC8 gene are associated with both neonatal diabetes mellitus as well as MODY. Patients with this mutation may have a better response to sulfonylureas. However, no sufficient evidence is found to ascertain the role of this particular variant ( rs193922398) in MODY yet.

Clinical Genomics, Uppaluri K&H Personalized Medicine Clinic
Classification: Uncertain significance for Transitory neonatal diabetes mellitus. Review status: criteria provided, single submitter. Criteria: K & H Uppaluri Personalized Medicine Clinic Variant Classification & Assertion Criteria_Updated V.1. Collection method: research. Allele origin: unknown. Inheritance: Somatic mutation.
Comment: Mutations in ABCC8 gene are associated with both neonatal diabetes mellitus as well as MODY. Patients with this mutation may have a better response to sulfonylureas. However, no sufficient evidence is found to ascertain the role of this particular variant ( rs193922398) in neonatal diabetes yet.

PreventionGenetics, part of Exact Sciences
Classification: Likely benign. Review status: criteria provided, single submitter. Criteria: ACMG Guidelines, 2015. Collection method: clinical testing. Allele origin: germline.

Literature cited by the submitters: PubMed 16885549 (cited by Clinical Genomics, Uppaluri K&H Personalized Medicine Clinic); PubMed 21989597 (cited by Clinical Genomics, Uppaluri K&H Personalized Medicine Clinic); PubMed 27538677 (cited by Clinical Genomics, Uppaluri K&H Personalized Medicine Clinic); PubMed 18981553 (cited by Clinical Genomics, Uppaluri K&H Personalized Medicine Clinic); PubMed 16613899 (cited by Clinical Genomics, Uppaluri K&H Personalized Medicine Clinic); PubMed 32027066 (cited by Clinical Genomics, Uppaluri K&H Personalized Medicine Clinic); PubMed 18025408 (cited by Clinical Genomics, Uppaluri K&H Personalized Medicine Clinic); PubMed 32792356 (cited by Clinical Genomics, Uppaluri K&H Personalized Medicine Clinic).

NM_000352.6(ABCC8):c.2117-12C>A

Gene: ABCC8 (ATP binding cassette subfamily C member 8; minus strand). Cytogenetic location: 11p15.1.
Variant type: single nucleotide variant.
Coding change: c.2117-12C>A on transcript NM_000352.6 (MANE Select); 12 bases into the intron before coding-DNA position 2117, C replaced by A.
Molecular consequence: intron variant.
Genome position (GRCh38, 1-based): chr11:17,427,166, G>T on the plus strand (C>A on the coding strand, the complement: ABCC8 is on the minus strand). VCF-style: chr11-17427166-G-T. GRCh37 (hg19) VCF-style: chr11-17448713-G-T.
Other names: c.2114-12C>A (NM_001351297.2, NM_001351296.2); c.2183-12C>A (NM_001351295.2); c.2117-12C>A (NM_001287174.3).
Identifiers: ClinVar variation 35607 (VCV000035607.8), dbSNP rs193922398, ClinGen allele CA213444.